The following is an entry in ClinVar:

NM_020937.4(FANCM):c.2656G>A (p.Val886Ile)

Gene: FANCM (FA complementation group M; plus strand). Cytogenetic location: 14q21.2.
Variant type: single nucleotide variant.
Coding change: c.2656G>A on transcript NM_020937.4 (MANE Select); coding-DNA position 2656, G replaced by A.
Protein change: p.Val886Ile; replaces valine 886 with isoleucine.
Molecular consequence: missense variant.
Genome position (GRCh38, 1-based): chr14:45,175,410, G>A. VCF-style: chr14-45175410-G-A. GRCh37 (hg19) VCF-style: chr14-45644613-G-A.
Other names: c.2578G>A, p.Val860Ile (NM_001308133.2); short protein forms V860I, V886I.
Identifiers: ClinVar variation 4619432 (VCV004619432.1).

ClinVar aggregate classification (germline): Uncertain significance (1 of 4 stars; one submission).

Conditions:
Inborn genetic diseases. Identifiers: MedGen C0950123, MeSH D030342.

Submission:

Ambry Genetics
Classification: Uncertain significance for Inborn genetic diseases. Last evaluated: 2025-09-18. Review status: criteria provided, single submitter. Criteria: Ambry Variant Classification Scheme 2023. Collection method: clinical testing. Allele origin: germline.
Comment: The p.V886I variant (also known as c.2656G>A), located in coding exon 14 of the FANCM gene, results from a G to A substitution at nucleotide position 2656. The valine at codon 886 is replaced by isoleucine, an amino acid with highly similar properties. This amino acid position is conserved. In addition, this alteration is predicted to be tolerated by in silico analysis. Based on the available evidence, the clinical significance of this variant remains unclear.